The following is an entry in ClinVar:

ClinVar aggregate classification (germline): Likely benign. Review status: criteria provided, multiple submitters, no conflicts (2 of 4 stars). 2 submissions from 2 submitters: Likely benign (2). Last evaluated 2026-04-01.

Submissions (2):

CeGaT Center for Human Genetics Tuebingen
Classification: Likely benign. Last evaluated: 2026-04-01. Review status: criteria provided, single submitter. Criteria: CeGaT Center For Human Genetics Tuebingen Variant Classification Criteria Version 2. Collection method: clinical testing. Allele origin: germline. Affected: yes. Observed: 1 variant allele.
Comment: KLF11: BP4, BP7

Labcorp Genetics (formerly Invitae), Labcorp
Classification: Likely benign. Last evaluated: 2026-01-24. Review status: criteria provided, single submitter. Criteria: Invitae Variant Classification Sherloc (09022015). Collection method: clinical testing. Allele origin: germline.

NM_003597.5(KLF11):c.660G>A (p.Thr220=)

Gene: KLF11 (KLF transcription factor 11; plus strand). Cytogenetic location: 2p25.1.
Variant type: single nucleotide variant.
Coding change: c.660G>A on transcript NM_003597.5 (MANE Select); coding-DNA position 660, G replaced by A.
Protein change: p.Thr220=; no amino-acid change (threonine 220 retained).
Molecular consequence: synonymous variant.
Genome position (GRCh38, 1-based): chr2:10,047,997, G>A. VCF-style: chr2-10047997-G-A. GRCh37 (hg19) VCF-style: chr2-10188124-G-A.
Other names: c.609G>A, p.Thr203= (NM_001177716.2, NM_001177718.2).
Identifiers: ClinVar variation 4739235 (VCV004739235.3).